The following is an entry in ClinVar:

NM_001012301.4(ARSI):c.64T>C (p.Trp22Arg)

Gene: ARSI (arylsulfatase family member I; minus strand). Cytogenetic location: 5q32.
Variant type: single nucleotide variant.
Coding change: c.64T>C on transcript NM_001012301.4 (MANE Select); coding-DNA position 64, T replaced by C.
Protein change: p.Trp22Arg; replaces tryptophan 22 with arginine.
Molecular consequence: missense variant.
Genome position (GRCh38, 1-based): chr5:150,302,310, A>G on the plus strand (T>C on the coding strand, the complement: ARSI is on the minus strand). VCF-style: chr5-150302310-A-G. GRCh37 (hg19) VCF-style: chr5-149681873-A-G.
Other names: short protein forms W22R.
Identifiers: ClinVar variation 943063 (VCV000943063.11), dbSNP rs759441290, ClinGen allele CA3510421.

ClinVar aggregate classification (germline): Uncertain significance. Review status: criteria provided, multiple submitters, no conflicts (2 of 4 stars). 2 submissions from 2 submitters: Uncertain significance (2). Last evaluated 2026-01-26.

Conditions:
Spastic paraplegia. Identifiers: MedGen C0037772, HP:0001258.

Allele frequency attached by ClinVar (database versions not stated): gnomAD 0.00009; gnomAD exomes 0.00009 and 0.00014; TOPMed 0.00010.
gnomAD v4.1: 212 of 1,597,852 alleles (0.013%); highest among the groups gnomAD compares: Non-Finnish European, 0.017%; no homozygotes.

Submissions (2):

Labcorp Genetics (formerly Invitae), Labcorp
Classification: Uncertain significance for Spastic paraplegia. Last evaluated: 2026-01-26. Review status: criteria provided, single submitter. Criteria: Invitae Variant Classification Sherloc (09022015). Collection method: clinical testing. Allele origin: germline.
Comment: This sequence change replaces tryptophan, which is neutral and slightly polar, with arginine, which is basic and polar, at codon 22 of the ARSI protein (p.Trp22Arg). This variant is present in population databases (rs759441290, gnomAD 0.02%). This variant has not been reported in the literature in individuals affected with ARSI-related conditions. ClinVar contains an entry for this variant (Variation ID: 943063). An algorithm developed to predict the effect of missense changes on protein structure and function (PolyPhen-2) suggests that this variant is likely to be tolerated. In summary, the available evidence is currently insufficient to determine the role of this variant in disease. Therefore, it has been classified as a Variant of Uncertain Significance.

Ambry Genetics
Classification: Uncertain significance. Last evaluated: 2024-10-29. Review status: criteria provided, single submitter. Criteria: Ambry Variant Classification Scheme 2023. Collection method: clinical testing. Allele origin: germline.